The following is an entry in ClinVar:

NM_170606.3(KMT2C):c.6366A>G (p.Ile2122Met)

Gene: KMT2C (lysine methyltransferase 2C; minus strand). Cytogenetic location: 7q36.1.
Variant type: single nucleotide variant.
Coding change: c.6366A>G on transcript NM_170606.3 (MANE Select); coding-DNA position 6366, A replaced by G.
Protein change: p.Ile2122Met; replaces isoleucine 2122 with methionine.
Molecular consequence: missense variant.
Genome position (GRCh38, 1-based): chr7:152,181,494, T>C on the plus strand (A>G on the coding strand, the complement: KMT2C is on the minus strand). VCF-style: chr7-152181494-T-C. GRCh37 (hg19) VCF-style: chr7-151878579-T-C.
Other names: short protein forms I2122M.
Identifiers: ClinVar variation 2016511 (VCV002016511.4), dbSNP rs1038773770, ClinGen allele CA169211839.

ClinVar aggregate classification (germline): Uncertain significance (1 of 4 stars; one submission).

Allele frequency attached by ClinVar (database versions not stated): gnomAD 0.00001; TOPMed below 0.00001.
gnomAD v4.1: 1 of 1,613,860 alleles (0.000062%); highest among the groups gnomAD compares: Non-Finnish European, 0.000085%; no homozygotes.

Submission:

Labcorp Genetics (formerly Invitae), Labcorp
Classification: Uncertain significance. Last evaluated: 2025-03-17. Review status: criteria provided, single submitter. Criteria: Invitae Variant Classification Sherloc (09022015). Collection method: clinical testing. Allele origin: germline.
Comment: This sequence change replaces isoleucine, which is neutral and non-polar, with methionine, which is neutral and non-polar, at codon 2122 of the KMT2C protein (p.Ile2122Met). This variant is not present in population databases (gnomAD no frequency). This variant has not been reported in the literature in individuals affected with KMT2C-related conditions. ClinVar contains an entry for this variant (Variation ID: 2016511). An algorithm developed to predict the effect of missense changes on protein structure and function outputs the following: PolyPhen-2: "Benign". The methionine amino acid residue is found in multiple mammalian species, which suggests that this missense change does not adversely affect protein function. In summary, the available evidence is currently insufficient to determine the role of this variant in disease. Therefore, it has been classified as a Variant of Uncertain Significance.